The following is an entry in ClinVar:

NM_139137.4(KCNC2):c.167C>T (p.Pro56Leu)

Gene: KCNC2 (potassium voltage-gated channel subfamily C member 2; minus strand). Cytogenetic location: 12q21.1.
Variant type: single nucleotide variant.
Coding change: c.167C>T on transcript NM_139137.4 (MANE Select); coding-DNA position 167, C replaced by T.
Protein change: p.Pro56Leu; replaces proline 56 with leucine.
Molecular consequence: missense variant. On other transcripts: non-coding transcript variant (2).
Genome position (GRCh38, 1-based): chr12:75,207,817, G>A on the plus strand (C>T on the coding strand, the complement: KCNC2 is on the minus strand). VCF-style: chr12-75207817-G-A. GRCh37 (hg19) VCF-style: chr12-75601597-G-A.
Other names: c.167C>T, p.Pro56Leu (NM_001260497.2, NM_001260498.2, NM_001260499.2 and 13 more transcripts); short protein forms P56L.
Identifiers: ClinVar variation 3768123 (VCV003768123.1).

ClinVar aggregate classification (germline): Uncertain significance (1 of 4 stars; one submission).

gnomAD v4.1: 1 of 1,605,584 alleles (0.000062%); highest among the groups gnomAD compares: East Asian, 0.0023%; no homozygotes.

Submission:

Women's Health and Genetics/Laboratory Corporation of America, LabCorp
Classification: Uncertain significance. Last evaluated: 2024-12-11. Review status: criteria provided, single submitter. Criteria: LabCorp Variant Classification Summary - May 2015. Collection method: clinical testing. Allele origin: germline.
Comment: Variant summary: KCNC2 c.167C>T (p.Pro56Leu) results in a non-conservative amino acid change located in the Broad-Complex, Tramtrack and Bric a brac domain (IPR000210) of the encoded protein sequence. Three of five in-silico tools predict a damaging effect of the variant on protein function. The frequency data for this variant in gnomAD is considered unreliable, as metrics indicate poor data quality at this position. To our knowledge, no occurrence of c.167C>T in individuals affected with Developmental And Epileptic Encephalopathy 103 and no experimental evidence demonstrating its impact on protein function have been reported. No submitters have cited clinical-significance assessments for this variant to ClinVar. Based on the evidence outlined above, the variant was classified as uncertain significance.